The following is an entry in ClinVar:

NM_001330260.2(SCN8A):c.47C>T (p.Pro16Leu)

Genes: SCN8A (sodium voltage-gated channel alpha subunit 8; plus strand), LOC114803470 (SCN8A eExon liver enhancer; plus strand). Cytogenetic location: 12q13.13.
Variant type: single nucleotide variant.
Coding change: c.47C>T on transcript NM_001330260.2 (MANE Select); coding-DNA position 47, C replaced by T.
Protein change: p.Pro16Leu; replaces proline 16 with leucine.
Molecular consequence: missense variant.
Genome position (GRCh38, 1-based): chr12:51,662,864, C>T. VCF-style: chr12-51662864-C-T. GRCh37 (hg19) VCF-style: chr12-52056648-C-T.
Other names: c.47C>T, p.Pro16Leu (NM_001177984.3, NM_001369788.1, NM_014191.4); short protein forms P16L.
Identifiers: ClinVar variation 850466 (VCV000850466.10), dbSNP rs1940950901, ClinGen allele CA385227490.

ClinVar aggregate classification (germline): Uncertain significance (1 of 4 stars; one submission).

Conditions:
Early-infantile DEE. Also called: Ohtahara syndrome; Early infantile epileptic encephalopathy with suppression bursts; Early infantile epileptic encephalopathy. Identifiers: Orphanet 1934, MedGen C0393706, MONDO:0800491.

Submission:

Labcorp Genetics (formerly Invitae), Labcorp
Classification: Uncertain significance for Early-infantile DEE. Last evaluated: 2022-02-04. Review status: criteria provided, single submitter. Criteria: Invitae Variant Classification Sherloc (09022015). Collection method: clinical testing. Allele origin: germline.
Comment: This sequence change replaces proline, which is neutral and non-polar, with leucine, which is neutral and non-polar, at codon 16 of the SCN8A protein (p.Pro16Leu). This variant is not present in population databases (gnomAD no frequency). This variant has not been reported in the literature in individuals affected with SCN8A-related conditions. ClinVar contains an entry for this variant (Variation ID: 850466). Algorithms developed to predict the effect of missense changes on protein structure and function are either unavailable or do not agree on the potential impact of this missense change (SIFT: "Deleterious"; PolyPhen-2: "Benign"; Align-GVGD: "Class C0"). In summary, the available evidence is currently insufficient to determine the role of this variant in disease. Therefore, it has been classified as a Variant of Uncertain Significance.